The following is an entry in ClinVar:

ClinVar aggregate classification (germline): Conflicting classifications of pathogenicity. Review status: criteria provided, conflicting classifications (1 of 4 stars). 10 submissions from 9 submitters: Uncertain significance (3); Benign (1); Likely benign (5). 1 of the submissions does not count toward it. Last evaluated 2026-04-08.

Conditions:
NF1-related disorder. Also called: NF1-related condition. Identifiers: MedGen CN379171.
Cardiovascular phenotype. Identifiers: MedGen CN230736.
Hereditary cancer-predisposing syndrome. Also called: Tumor predisposition; Hereditary Cancer Syndrome; Hereditary neoplastic syndrome; Neoplastic Syndromes, Hereditary. Identifiers: Orphanet 140162, MedGen C0027672, MeSH D009386, MONDO:0015356.
Neurofibromatosis, type 1 (NF1). Also called: Peripheral type neurofibromatosis; NEUROFIBROMATOSIS, TYPE I, SOMATIC; Neurofibromatosis, type I; VON RECKLINGHAUSEN DISEASE. Identifiers: Orphanet 636, MedGen C0027831, MONDO:0018975, OMIM 162200. Disease mechanism: loss of function.

Allele frequency attached by ClinVar (database versions not stated): ExAC 0.00007; ESP Exome Variant Server 0.00023; gnomAD 0.00003 and 0.00004; TOPMed 0.00003; gnomAD exomes 0.00006.
gnomAD v4.1: 200 of 1,605,108 alleles (0.012%); highest among the groups gnomAD compares: Non-Finnish European, 0.016%; no homozygotes.

Submissions (11):

Ambry Genetics
Classification: Benign for Cardiovascular phenotype; Hereditary cancer-predisposing syndrome. Last evaluated: 2026-04-08. Review status: criteria provided, single submitter. Criteria: Ambry Variant Classification Scheme 2023. Collection method: clinical testing. Allele origin: germline.

Labcorp Genetics (formerly Invitae), Labcorp
Classification: Likely benign for Neurofibromatosis, type 1. Last evaluated: 2026-02-02. Review status: criteria provided, single submitter. Criteria: Invitae Variant Classification Sherloc (09022015). Collection method: clinical testing. Allele origin: germline.

Women's Health and Genetics/Laboratory Corporation of America, LabCorp
Classification: Uncertain significance. Last evaluated: 2025-09-18. Review status: criteria provided, single submitter. Criteria: LabCorp Variant Classification Summary - May 2015. Collection method: clinical testing. Allele origin: germline.
Comment: Variant summary: NF1 c.6365-3C>T alters a conserved nucleotide located close to a canonical splice site and therefore could affect mRNA splicing, leading to a significantly altered protein sequence. Consensus agreement among computation tools predict no significant impact on normal splicing. However, these predictions have yet to be confirmed by functional studies. The variant allele was found at a frequency of 6.4e-05 in 251068 control chromosomes. This frequency is not significantly higher than estimated for disease-causing variants in NF1, allowing no conclusion about variant significance. To our knowledge, no occurrence of c.6365-3C>T in individuals affected with NF1-related conditions and no experimental evidence demonstrating its impact on protein function have been reported. The following publication has been ascertained in the context of this evaluation (PMID: 30304655). ClinVar contains an entry for this variant (Variation ID: 185376). Based on the evidence outlined above, the variant was classified as uncertain significance.

Institute for Biomarker Research, Medical Diagnostic Laboratories, L.L.C.
Classification: Likely benign for Hereditary cancer-predisposing syndrome. Last evaluated: 2023-06-02. Review status: criteria provided, single submitter. Criteria: ACMG Guidelines, 2015. Collection method: clinical testing. Allele origin: germline.

GeneDx
Classification: Likely benign. Last evaluated: 2021-05-25. Review status: criteria provided, single submitter. Criteria: GeneDx Variant Classification Process June 2021. Collection method: clinical testing. Allele origin: germline. Affected: yes.
Comment: While in silico analysis, which includes splice predictors and evolutionary conservation, supports that this variant does not alter protein structure/function, RT-PCR analysis suggested this variant results in an out-of-frame deletion of exon 42 (previously reported as exon 34), but the data were not provided (Wimmer et al. 2007; Pros et al. 2008).; Has not been previously published as pathogenic or benign to our knowledge; This variant is associated with the following publications: (PMID: 18546366, 17311297)

ARUP Laboratories, Molecular Genetics and Genomics, ARUP Laboratories
Classification: Likely benign. Last evaluated: 2021-03-02. Review status: criteria provided, single submitter. Criteria: ARUP Molecular Germline Variant Investigation Process 2021. Collection method: clinical testing. Allele origin: germline.

Sema4
Classification: Likely benign for Hereditary cancer-predisposing syndrome. Last evaluated: 2020-12-30. Review status: criteria provided, single submitter. Criteria: Sema4 Curation Guidelines. Collection method: curation. Allele origin: germline.

Center for Pediatric Genomic Medicine, Children's Mercy Hospital and Clinics
Classification: Uncertain significance. Last evaluated: 2017-01-04. Review status: criteria provided, single submitter. Criteria: ACMG Guidelines, 2015. Collection method: clinical testing. Allele origin: germline.
ClinVar note: Converted during submission from Uncertain Significance to Uncertain significance.

Ambry Genetics
Classification: Uncertain significance for Hereditary cancer-predisposing syndrome. Last evaluated: 2015-12-31. Review status: criteria provided, single submitter. Criteria: Ambry Autosomal Dominant and X-Linked criteria (10/2015). Collection method: clinical testing. Allele origin: germline. Observed: 1 variant allele.
Comment: The c.6428-3C>T intronic variant (also known as c.6365-3C>T) results from a C to T substitution 3 nucleotides upstream from coding exon 43 in the NF1 gene. This variant was previously reported in the SNPDatabase as rs374014162. Based on data from the NHLBI Exome Sequencing Project (ESP), the T allele has an overall frequency of approximately 0.02% (3/13006) total alleles studied, having been observed in 0.05% (2/4406) African American alleles and 0.01% (1/8600) European American alleles. To date, this alteration has been detected with an allele frequency of approximately 0.008% (greater than 110000 alleles tested) in our clinical cohort. Other alterations at this position (c.6365-3C>G and c.6365-3C>A) have been identified in NF1 patients and reported to result in exon-skipping (Wimmer K et al. Hum. Mutat. 2007 Jun; 28(6):599-612. Pros E et al. Hum. Mutat. 2008 Sep; 29(9):E173-93). However, based on sequence alignment, thymine is the reference nucleotide in other species, indicating that a C>T substitution may be more tolerated than other changes at the c.6428-3 position. This alteration is predicted by ESEfinder to weaken the efficacy of the native acceptor splice site, but is not predicted to have a deleterious effect on the native splice acceptor site by BDGP. Since supporting evidence is limited at this time, the clinical significance of c.6428-3C>T remains unclear.

PreventionGenetics, part of Exact Sciences
Classification: Likely benign for NF1-related condition. Last evaluated: 2024-07-05. Review status: no assertion criteria provided. Collection method: clinical testing. Allele origin: germline. Not counted in ClinVar's aggregate classification.
Comment: This variant is classified as likely benign based on ACMG/AMP sequence variant interpretation guidelines (Richards et al. 2015 PMID: 25741868, with internal and published modifications).

Dr. Peter K. Rogan Lab, Western University
No classification provided (evidence only). Condition: Melanoma. Review status: no classification provided. Collection method: in vitro. Allele origin: not applicable. Functional consequence: retained intron. Not counted in ClinVar's aggregate classification.

Literature cited by the submitters: PubMed 10678181 (cited by Women's Health and Genetics/Laboratory Corporation of America, LabCorp); PubMed 23460398 (cited by Women's Health and Genetics/Laboratory Corporation of America, LabCorp); PubMed 29872168 (cited by Women's Health and Genetics/Laboratory Corporation of America, LabCorp); PubMed 27069254 (cited by Women's Health and Genetics/Laboratory Corporation of America, LabCorp); PubMed 30304655 (cited by Women's Health and Genetics/Laboratory Corporation of America, LabCorp); PubMed 17311297 (cited by Ambry Genetics); PubMed 18546366 (cited by Ambry Genetics).

NM_001042492.3(NF1):c.6428-3C>T

Gene: NF1 (neurofibromin 1; plus strand). Cytogenetic location: 17q11.2.
Variant type: single nucleotide variant.
Coding change: c.6428-3C>T on transcript NM_001042492.3 (MANE Select); 3 bases into the intron before coding-DNA position 6428, C replaced by T.
Molecular consequence: intron variant.
Genome position (GRCh38, 1-based): chr17:31,337,365, C>T. VCF-style: chr17-31337365-C-T. GRCh37 (hg19) VCF-style: chr17-29664383-C-T.
Other names: c.6365-3C>T (NM_000267.4).
Identifiers: ClinVar variation 185376 (VCV000185376.30), dbSNP rs374014162, ClinGen allele CA191762.
Genomic context (GRCh38, chr17:31,337,365, plus strand): 5'-TGGAACTTTAGAAATTAAAAAGTAATATTTTCTGTCTTTACTTGTTCCTTTATTCTCTTA[C>T]AGAAGAGACCAAGCAAGTTTTGAGACTCAGTCTGACAGAGTTCTCATTACCCAAATTTTA-3'